The following is an entry in ClinVar:

ClinVar aggregate classification (germline): Likely benign. Review status: criteria provided, single submitter (1 of 4 stars). 2 submissions from 2 submitters: Likely benign (1). 1 of the submissions does not count toward it. Last evaluated 2025-12-24.

Conditions:
TNS2-related disorder. Also called: TNS2-related condition.

Allele frequency attached by ClinVar (database versions not stated): gnomAD 0.00013; TOPMed 0.00019; gnomAD exomes 0.00020; ExAC 0.00022; ESP Exome Variant Server 0.00023.
gnomAD v4.1: 306 of 1,613,556 alleles (0.019%); highest among the groups gnomAD compares: Non-Finnish European, 0.022%; no homozygotes.

Submissions (2):

Labcorp Genetics (formerly Invitae), Labcorp
Classification: Likely benign. Last evaluated: 2025-12-24. Review status: criteria provided, single submitter. Criteria: Invitae Variant Classification Sherloc (09022015). Collection method: clinical testing. Allele origin: germline.

PreventionGenetics, part of Exact Sciences
Classification: Likely benign for TNS2-related condition. Last evaluated: 2022-12-16. Review status: no assertion criteria provided. Collection method: clinical testing. Allele origin: germline. Not counted in ClinVar's aggregate classification.
Comment: This variant is classified as likely benign based on ACMG/AMP sequence variant interpretation guidelines (Richards et al. 2015 PMID: 25741868, with internal and published modifications).

NM_170754.4(TNS2):c.2679T>C (p.Ser893=)

Gene: TNS2 (tensin 2; plus strand). Cytogenetic location: 12q13.13.
Variant type: single nucleotide variant.
Coding change: c.2679T>C on transcript NM_170754.4 (MANE Select); coding-DNA position 2679, T replaced by C.
Protein change: p.Ser893=; no amino-acid change (serine 893 retained).
Molecular consequence: synonymous variant.
Genome position (GRCh38, 1-based): chr12:53,060,466, T>C. VCF-style: chr12-53060466-T-C. GRCh37 (hg19) VCF-style: chr12-53454250-T-C.
Other names: c.2679T>C, p.Ser893= (NM_001416202.1); c.2637T>C, p.Ser879= (NM_001416203.1); c.2706T>C, p.Ser902= (NM_001416204.1); c.2610T>C, p.Ser870= (NM_015319.3); c.2307T>C, p.Ser769= (NM_198316.2); c.2709T>C (NM_015319.2).
Identifiers: ClinVar variation 2067231 (VCV002067231.6), dbSNP rs139814846, ClinGen allele CA6592657.